The following is an entry in ClinVar:

ClinVar aggregate classification (germline): Pathogenic (1 of 4 stars; one submission).

Conditions:
Menkes kinky-hair syndrome (MNK). Also called: Menkes Disease; Classic Menkes Disease; Copper transport disease. Identifiers: Orphanet 565, MedGen C0022716, MONDO:0010651, OMIM 309400.

Submission:

Myriad Genetics, Inc.
Classification: Pathogenic for Menkes kinky-hair syndrome. Last evaluated: 2023-09-30. Review status: criteria provided, single submitter. Criteria: Myriad Autosomal Dominant, Autosomal Recessive and X-Linked Classification Criteria (2023). Collection method: clinical testing. Allele origin: unknown.
Comment: NM_000052.5(ATP7A):c.3663_3664ins13(L1222Tfs*18) is expected to be pathogenic in the context of ATP7A-related disorders. This variant is predicted to lead to an abnormal or absent protein product due to the creation of a premature termination codon in ATP7A, a gene where loss-of-function variants are known to be pathogenic. Please note: this variant was assessed in the context of healthy population screening.

NM_000052.7(ATP7A):c.3663_3664insACTGTCTCTTATA (p.Leu1222fs)

Gene: ATP7A (ATPase copper transporting alpha; plus strand). Cytogenetic location: Xq21.1.
Variant type: Insertion.
Coding change: c.3663_3664insACTGTCTCTTATA on transcript NM_000052.7 (MANE Select); coding-DNA positions 3663 to 3664, ACTGTCTCTTATA inserted.
Protein change: p.Leu1222fs; shifts the reading frame from leucine 1222.
Molecular consequence: frameshift variant. On other transcripts: non-coding transcript variant (1).
Genome position: GRCh38 VCF-style: chrX-78040595-G-GACTGTCTCTTATA. GRCh37 (hg19) VCF-style: chrX-77296093-G-GACTGTCTCTTATA.
Other names: c.3429_3430insACTGTCTCTTATA, p.Leu1144fs (NM_001282224.2); short protein forms L1144fs, L1222fs.
Identifiers: ClinVar variation 5012345 (VCV005012345.1).